The following is an entry in ClinVar:

ClinVar aggregate classification (germline): Pathogenic/Likely pathogenic. Review status: criteria provided, multiple submitters, no conflicts (2 of 4 stars). 4 submissions from 4 submitters: Pathogenic (3); Likely pathogenic (1). Last evaluated 2026-02-26.

Conditions:
COL1A1-related disorder. Also called: COL1A1- related disease; COL1A1-related condition.
Osteogenesis imperfecta type I (OI1). Also called: OI, TYPE I; OSTEOGENESIS IMPERFECTA TARDA; OSTEOGENESIS IMPERFECTA WITH BLUE SCLERAE; Osteogenesis imperfecta type 1; Lobstein's Disease; Lobstein disease. Identifiers: Orphanet 216796, Orphanet 666, MedGen C0023931, MONDO:0008146, OMIM 166200. Disease mechanism: loss of function.

Submissions (4):

Dasa
Classification: Pathogenic. Last evaluated: 2026-02-26. Review status: criteria provided, single submitter. Criteria: DASA Assertion Criteria. Collection method: clinical testing. Allele origin: germline.
Comment: NM_000088.4(COL1A1):c.441dup (p.Gly148Argfs*21) is a frameshift variant in COL1A1 predicted to alter the reading frame and introduce a premature termination codon and is predicted to result in an absent or altered protein product. Loss of function is an established disease mechanism for COL1A1 (PMID: 9067755; PMID: 9016532). This variant has been reported in individuals with COL1A1-related disorders (PMID: 23529829). Also, this variant is rare in population databases. Based on the currently available evidence, this variant is classified as pathogenic.

Medical and Scientific Branch, Hong Kong Genome Institute
Classification: Likely pathogenic for Osteogenesis imperfecta type I. Last evaluated: 2025-12-11. Review status: criteria provided, single submitter. Criteria: ACMG Guidelines, 2015. Collection method: clinical testing. Allele origin: germline. Affected: yes.

Labcorp Genetics (formerly Invitae), Labcorp
Classification: Pathogenic for Osteogenesis imperfecta type I. Last evaluated: 2025-04-09. Review status: criteria provided, single submitter. Criteria: Invitae Variant Classification Sherloc (09022015). Collection method: clinical testing. Allele origin: germline.
Comment: This sequence change creates a premature translational stop signal (p.Gly148Argfs*21) in the COL1A1 gene. It is expected to result in an absent or disrupted protein product. Loss-of-function variants in COL1A1 are known to be pathogenic (PMID: 7942841, 9295084, 9443882). This variant is not present in population databases (gnomAD no frequency). This premature translational stop signal has been observed in individual(s) with osteogenesis imperfecta (PMID: 23529829, 30715774). This variant is also known as c.442insC . ClinVar contains an entry for this variant (Variation ID: 3722891). For these reasons, this variant has been classified as Pathogenic.

Blueprint Genetics
Classification: Pathogenic for COL1A1-related disorders. Last evaluated: 2022-11-18. Review status: criteria provided, single submitter. Criteria: ACMG Guidelines, 2015. Collection method: clinical testing. Allele origin: germline. Affected: yes. Observed: 1 variant allele.

Literature cited by the submitters: PubMed 23529829 (cited by Dasa and Labcorp Genetics (formerly Invitae), Labcorp); PubMed 9067755 (cited by Dasa); PubMed 9016532 (cited by Dasa); PubMed 7942841 (cited by Labcorp Genetics (formerly Invitae), Labcorp); PubMed 9295084 (cited by Labcorp Genetics (formerly Invitae), Labcorp); PubMed 9443882 (cited by Labcorp Genetics (formerly Invitae), Labcorp); PubMed 30715774 (cited by Labcorp Genetics (formerly Invitae), Labcorp).

NM_000088.4(COL1A1):c.441dup (p.Gly148fs)

Gene: COL1A1 (collagen type I alpha 1 chain; minus strand). Cytogenetic location: 17q21.33.
Variant type: Duplication.
Coding change: c.441dup on transcript NM_000088.4 (MANE Select); coding-DNA position 441, one base duplicated (C; older notation c.441dupC).
Protein change: p.Gly148fs; shifts the reading frame from glycine 148.
Molecular consequence: frameshift variant.
Genome position (GRCh38, 1-based): chr17:50,199,256, G duplicated on the plus strand (C on the coding strand, the reverse complement: COL1A1 is on the minus strand); the first of 6 consecutive G bases (chr17:50,199,256-50,199,261); duplicating any one gives the same sequence. VCF-style (leftmost placement, unchanged base first): chr17-50199255-C-CG. GRCh37 (hg19) VCF-style: chr17-48276616-C-CG.
Other names: short protein forms G148fs.
Identifiers: ClinVar variation 3722891 (VCV003722891.6).